The following is an entry in ClinVar:

ClinVar aggregate classification (germline): Likely benign. Review status: criteria provided, multiple submitters, no conflicts (2 of 4 stars). 3 submissions from 3 submitters: Likely benign (3). Last evaluated 2024-12-06.

Conditions:
BMP1-related disorder. Also called: BMP1-related condition.

Submissions (3):

PreventionGenetics, part of Exact Sciences
Classification: Likely benign for BMP1-related condition. Last evaluated: 2024-12-06. Review status: criteria provided, single submitter. Criteria: ACMG Guidelines, 2015. Collection method: clinical testing. Allele origin: germline.
Comment: This variant is classified as likely benign based on ACMG/AMP sequence variant interpretation guidelines (Richards et al. 2015 PMID: 25741868, with internal and published modifications).

Labcorp Genetics (formerly Invitae), Labcorp
Classification: Likely benign. Last evaluated: 2024-03-01. Review status: criteria provided, single submitter. Criteria: Invitae Variant Classification Sherloc (09022015). Collection method: clinical testing. Allele origin: germline.

Blueprint Genetics
Classification: Likely benign. Last evaluated: 2022-10-04. Review status: criteria provided, single submitter. Criteria: ACMG Guidelines, 2015. Collection method: clinical testing. Allele origin: germline.

NM_006129.5(BMP1):c.433+7G>A

Gene: BMP1 (bone morphogenetic protein 1; plus strand). Cytogenetic location: 8p21.3.
Variant type: single nucleotide variant.
Coding change: c.433+7G>A on transcript NM_006129.5 (MANE Select); 7 bases into the intron after coding-DNA position 433, G replaced by A.
Molecular consequence: intron variant.
Genome position (GRCh38, 1-based): chr8:22,176,320, G>A. VCF-style: chr8-22176320-G-A. GRCh37 (hg19) VCF-style: chr8-22033833-G-A.
Other names: c.433+7G>A (NM_006129.4, NM_001199.4).
Identifiers: ClinVar variation 2963417 (VCV002963417.5), dbSNP rs371164366, ClinGen allele CA4664250.
Genomic context (GRCh38, chr8:22,176,320, plus strand): 5'-AGCGTGTGTGGCCCGATGGGGTCATCCCCTTTGTCATTGGGGGAAACTTCACTGGTGAGC[G>A]TGCTATTGTGGGTCCCAGAGTGTAACCAGCTTCCGGGCCTGGCCTTGTGGCAGCCCTGCC-3'